The following is an entry in ClinVar:

ClinVar aggregate classification (germline): Uncertain significance (1 of 4 stars; one submission).

Submission:

Ambry Genetics
Classification: Uncertain significance. Last evaluated: 2022-01-02. Review status: criteria provided, single submitter. Criteria: Ambry Variant Classification Scheme 2023. Collection method: clinical testing. Allele origin: germline.
Comment: The p.K620N variant (also known as c.1860A>C), located in coding exon 4 of the TMPO gene, results from an A to C substitution at nucleotide position 1860. The lysine at codon 620 is replaced by asparagine, an amino acid with similar properties. This amino acid position is conserved. In addition, this alteration is predicted to be tolerated by in silico analysis. Since supporting evidence is limited at this time, the clinical significance of this alteration remains unclear.

NM_001032283.3(TMPO):c.565+2279A>C

Gene: TMPO (thymopoietin; plus strand). Cytogenetic location: 12q23.1.
Variant type: single nucleotide variant.
Coding change: c.565+2279A>C on transcript NM_001032283.3 (MANE Select); 2279 bases into the intron after coding-DNA position 565, A replaced by C.
Molecular consequence: intron variant. On other transcripts: missense variant (1).
Genome position (GRCh38, 1-based): chr12:98,534,117, A>C. VCF-style: chr12-98534117-A-C. GRCh37 (hg19) VCF-style: chr12-98927895-A-C.
Other names: c.1860A>C, p.Lys620Asn (NM_003276.2); c.565+2279A>C (NM_001307975.2, NM_001032284.3); short protein forms K620N.
Identifiers: ClinVar variation 1781490 (VCV001781490.2), dbSNP rs2548505041, ClinGen allele CA386154085.
Genomic context (GRCh38, chr12:98,534,117, plus strand): 5'-TGCACAGATTCTTAGCTCAGATCCTAGTCGTACCCACCAAGCGCTTGGGATTCTGAGCAA[A>C]ACATATGATGCAGCCTCATATATTTGTGAAGCTGCATTTGATGAAGTGAAGATGGCTGCC-3'